The following is an entry in ClinVar:

NM_003000.3(SDHB):c.130A>G (p.Ile44Val)

Gene: SDHB (succinate dehydrogenase complex iron sulfur subunit B; minus strand). Cytogenetic location: 1p36.13.
Variant type: single nucleotide variant.
Coding change: c.130A>G on transcript NM_003000.3 (MANE Select); coding-DNA position 130, A replaced by G.
Protein change: p.Ile44Val; replaces isoleucine 44 with valine.
Molecular consequence: missense variant.
Genome position (GRCh38, 1-based): chr1:17,044,831, T>C on the plus strand (A>G on the coding strand, the complement: SDHB is on the minus strand). VCF-style: chr1-17044831-T-C. GRCh37 (hg19) VCF-style: chr1-17371326-T-C.
Other names: short protein forms I44V.
Identifiers: ClinVar variation 449495 (VCV000449495.30), dbSNP rs200418115, ClinGen allele CA089518.
Genomic context (GRCh38, chr1:17,044,831, plus strand): 5'-CAACTTCATAAGTCTGCATATGAGGTTTGTCTCCAGCCTTGTCTGGGTCCCATCGATAGA[T>C]GGCAAATTTCTTGATACGGGGAGCTGTGGCTGCAGCTGTCTGGGCTCCTCGGGAGGCCTG-3'
Protein context (NP_002991.2, residues 34-54): ATAPRIKKFA[Ile44Val]YRWDPDKAGD

ClinVar aggregate classification (germline): Uncertain significance. Review status: criteria provided, multiple submitters, no conflicts (2 of 4 stars). 8 submissions from 8 submitters: Uncertain significance (7). 1 of the submissions does not count toward it. Last evaluated 2026-02-01.

Conditions:
Hereditary cancer-predisposing syndrome. Also called: Tumor predisposition; Hereditary neoplastic syndrome; Neoplastic Syndromes, Hereditary; Hereditary Cancer Syndrome. Identifiers: Orphanet 140162, MedGen C0027672, MeSH D009386, MONDO:0015356.
SDHB-related disorder. Also called: SDHB-related condition; SDHB-related disorders. Identifiers: MedGen CN239418.
Cardiac arrhythmia. Also called: Arrhythmia; Cardiac rhythm disease. Identifiers: MedGen C0003811, MONDO:0007263, HP:0011675.
Hereditary pheochromocytoma and paraganglioma. Also called: Hereditary Paraganglioma-Pheochromocytoma Syndromes; Hereditary paragangliomas and pheochromocytomas; Hereditary pheochromocytoma-paraganglioma. Identifiers: Orphanet 29072, MedGen C4274332, MONDO:0017366.
Pheochromocytoma. Also called: MAX-Related Hereditary Paraganglioma-Pheochromocytoma Syndrome. Identifiers: Orphanet 29072, MedGen C0031511, MONDO:0008233, OMIM 171300, HP:0002666.
Pheochromocytoma/paraganglioma syndrome 4. Also called: SDHB-Related Hereditary Paraganglioma-Pheochromocytoma Syndrome (Paragangliomas 4); CAROTID BODY TUMORS AND MULTIPLE EXTRAADRENAL PHEOCHROMOCYTOMAS; PARAGANGLIOMA, FAMILIAL MALIGNANT; PARAGANGLIOMAS, HEREDITARY EXTRAADRENAL; SDHB-Related Hereditary Paraganglioma-Pheochromocytoma Syndrome; PHEOCHROMOCYTOMA, FAMILIAL EXTRAADRENAL. Identifiers: Orphanet 29072, MedGen C1861848, MONDO:0007273, OMIM 115310.
Gastrointestinal stromal tumor. Also called: Gastrointestinal stroma tumor; Gastrointestinal stromal tumor, somatic. Identifiers: Orphanet 44890, MedGen C0238198, MeSH D046152, MONDO:0011719, OMIM 606764, HP:0100723.

Allele frequency attached by ClinVar (database versions not stated): gnomAD 0.00002; gnomAD exomes 0.00002 and 0.00004; TOPMed 0.00002; ExAC 0.00007.
gnomAD v4.1: 36 of 1,614,050 alleles (0.0022%); highest among the groups gnomAD compares: Non-Finnish European, 0.003%; 1 homozygote.

Submissions (8):

Labcorp Genetics (formerly Invitae), Labcorp
Classification: Uncertain significance for Gastrointestinal stromal tumor; Pheochromocytoma/paraganglioma syndrome 4; Pheochromocytoma. Last evaluated: 2026-02-01. Review status: criteria provided, single submitter. Criteria: Invitae Variant Classification Sherloc (09022015). Collection method: clinical testing. Allele origin: germline.
Comment: This sequence change replaces isoleucine, which is neutral and non-polar, with valine, which is neutral and non-polar, at codon 44 of the SDHB protein (p.Ile44Val). This variant is present in population databases (rs200418115, gnomAD 0.009%). This variant has not been reported in the literature in individuals affected with SDHB-related conditions. ClinVar contains an entry for this variant (Variation ID: 449495). Invitae Evidence Modeling of protein sequence and biophysical properties (such as structural, functional, and spatial information, amino acid conservation, physicochemical variation, residue mobility, and thermodynamic stability) indicates that this missense variant is not expected to disrupt SDHB protein function with a negative predictive value of 80%. In summary, the available evidence is currently insufficient to determine the role of this variant in disease. Therefore, it has been classified as a Variant of Uncertain Significance.

Petrovsky National Research Centre of Surgery, The Federal Agency for Scientific Organizations
Classification: Uncertain significance for Cardiac arrhythmia. Last evaluated: 2025-11-18. Review status: criteria provided, single submitter. Criteria: ACMG Guidelines, 2015. Collection method: clinical testing. Allele origin: germline. Affected: yes.
Comment: The variant is present in The Genome Aggregation Database (gnomAD) v4.1.0 with a total MAF of 0.00002230. In accordance with ACMG (2015) criteria, this variant is classified as Variant of Uncertain Significance (Class III) with the following criteria applied: PM2, BP4, PM1_moderate.

Center for Genomic Medicine, Rigshospitalet, Copenhagen University Hospital
Classification: Uncertain significance. Last evaluated: 2025-03-04. Review status: criteria provided, single submitter. Criteria: ACMG Guidelines, 2015. Collection method: clinical testing. Allele origin: germline.

Ambry Genetics
Classification: Uncertain significance for Hereditary cancer-predisposing syndrome. Last evaluated: 2024-10-28. Review status: criteria provided, single submitter. Criteria: Ambry Variant Classification Scheme 2023. Collection method: clinical testing. Allele origin: germline.
Comment: The p.I44V variant (also known as c.130A>G), located in coding exon 2 of the SDHB gene, results from an A to G substitution at nucleotide position 130. The isoleucine at codon 44 is replaced by valine, an amino acid with highly similar properties. This amino acid position is well conserved in available vertebrate species; however, valine is the reference amino acid in other vertebrate species. In addition, the in silico prediction for this alteration is inconclusive. Since supporting evidence is limited at this time, the clinical significance of this alteration remains unclear.

All of Us Research Program, National Institutes of Health
Classification: Uncertain significance for Hereditary pheochromocytoma and paraganglioma. Last evaluated: 2023-11-30. Review status: criteria provided, single submitter. Criteria: ACMG Guidelines, 2015. Collection method: clinical testing. Allele origin: germline. Inheritance: Autosomal dominant inheritance. Observed: 3 variant alleles, 3 heterozygotes.
Comment: This missense variant replaces isoleucine with valine at codon 44 of the SDHB protein. Computational prediction suggests that this variant may not impact protein structure and function (internally defined REVEL score threshold <= 0.5, PMID: 27666373). To our knowledge, functional studies have not been reported for this variant. This variant has not been reported in individuals affected with SDHB-related disorders in the literature. This variant has been identified in 10/251358 chromosomes in the general population by the Genome Aggregation Database (gnomAD). The available evidence is insufficient to determine the role of this variant in disease conclusively. Therefore, this variant is classified as a Variant of Uncertain Significance.

This study involves interpretation of variants in research participants for the purpose of population health screening. Participant phenotype was not available at the time of variant classification. Additional details can be found in publication PMID: 35346344, PMCID: PMC8962531

Baylor Genetics
Classification: Uncertain significance for Gastrointestinal stromal tumor. Last evaluated: 2023-11-11. Review status: criteria provided, single submitter. Criteria: ACMG Guidelines, 2015. Collection method: clinical testing. Allele origin: unknown.

GeneDx
Classification: Uncertain significance. Last evaluated: 2020-06-09. Review status: criteria provided, single submitter. Criteria: GeneDx Variant Classification Process June 2021. Collection method: clinical testing. Allele origin: germline. Affected: yes.
Comment: Not observed at a significant frequency in large population cohorts (Lek 2016); In silico analysis supports that this missense variant does not alter protein structure/function; Has not been previously published as pathogenic or benign to our knowledge

PreventionGenetics, part of Exact Sciences
Classification: Uncertain significance for SDHB-related condition. Last evaluated: 2024-06-06. Review status: no assertion criteria provided. Collection method: clinical testing. Allele origin: germline. Not counted in ClinVar's aggregate classification.
Comment: The SDHB c.130A>G variant is predicted to result in the amino acid substitution p.Ile44Val. To our knowledge, this variant has not been reported in the literature. This variant is reported in 0.0088% of alleles in individuals of European (Non-Finnish) descent in gnomAD and is interpreted as uncertain in ClinVar. At this time, the clinical significance of this variant is uncertain due to the absence of conclusive functional and genetic evidence.